The following is an entry in ClinVar:

ClinVar aggregate classification (germline): Benign/Likely benign. Review status: criteria provided, multiple submitters, no conflicts (2 of 4 stars). 19 submissions from 18 submitters: Benign (4); Likely benign (12). 3 of the submissions do not count toward it. Last evaluated 2026-07-01.

Conditions:
Ehlers-Danlos syndrome (EDS). Identifiers: Orphanet 98249, MedGen C0013720, MONDO:0020066.
Ehlers-Danlos syndrome, classic type (cEDS). Identifiers: Orphanet 287, MedGen C4225429, MONDO:0007522.
Ehlers-Danlos syndrome, classic type, 1 (EDSCL1). Also called: Ehlers-Danlos syndrome, type 1; EHLERS-DANLOS SYNDROME, GRAVIS TYPE; EHLERS-DANLOS SYNDROME, SEVERE CLASSIC TYPE; Ehlers-Danlos Syndrome, Classic Type, COL5A1-Related; EDS I. Identifiers: MedGen C0268335, MONDO:0019567, OMIM 130000.
Familial thoracic aortic aneurysm and aortic dissection (TAAD). Also called: Thoracic aortic aneurysms and dissections. Identifiers: Orphanet 91387, MedGen C4707243, MONDO:0019625.
Marfan syndrome (MFS). Also called: Marfan syndrome type 1; Marfan syndrome, classic; Marfan's syndrome; MARFAN SYNDROME, TYPE I; FBN1-Related Marfan Syndrome. Identifiers: Orphanet 284963, Orphanet 558, MedGen C0024796, MONDO:0007947, OMIM 154700.
Fibromuscular dysplasia, multifocal. Identifiers: MedGen C5543412, MONDO:0859151, OMIM 619329.

Allele frequency attached by ClinVar (database versions not stated): 1000 Genomes Project 0.00100; 1000 Genomes Project 30x 0.00109; TOPMed 0.00198; ESP Exome Variant Server 0.00246; gnomAD 0.00315.
gnomAD v4.1: 5,085 of 1,613,882 alleles (0.32%); highest among the groups gnomAD compares: Non-Finnish European, 0.39%; 8 homozygotes.

Submissions (19):

CeGaT Center for Human Genetics Tuebingen
Classification: Likely benign. Last evaluated: 2026-07-01. Review status: criteria provided, single submitter. Criteria: CeGaT Center For Human Genetics Tuebingen Variant Classification Criteria Version 2. Collection method: clinical testing. Allele origin: germline. Affected: yes. Observed: 12 variant alleles.
Comment: COL5A1: BP4, BS1

Labcorp Genetics (formerly Invitae), Labcorp
Classification: Likely benign for Ehlers-Danlos syndrome, classic type, 1. Last evaluated: 2026-01-28. Review status: criteria provided, single submitter. Criteria: Invitae Variant Classification Sherloc (09022015). Collection method: clinical testing. Allele origin: germline.

ARUP Laboratories, Molecular Genetics and Genomics, ARUP Laboratories
Classification: Likely benign. Last evaluated: 2025-05-21. Review status: criteria provided, single submitter. Criteria: ARUP Molecular Germline Variant Investigation Process 2024. Collection method: clinical testing. Allele origin: germline.

Molecular Diagnostic Laboratory for Inherited Cardiovascular Disease, Montreal Heart Institute
Classification: Likely benign. Last evaluated: 2025-04-09. Review status: criteria provided, single submitter. Criteria: ACMG Guidelines, 2015. Collection method: clinical testing. Allele origin: germline. Affected: no.

Mayo Clinic Laboratories, Mayo Clinic
Classification: Likely benign. Last evaluated: 2024-12-19. Review status: criteria provided, single submitter. Criteria: ACMG Guidelines, 2015. Collection method: clinical testing. Allele origin: germline. Observed: 34 variant alleles.
Comment: BS1, BP4_moderate

Blueprint Genetics
Classification: Likely benign. Last evaluated: 2024-11-21. Review status: criteria provided, single submitter. Criteria: ACMG Guidelines, 2015. Collection method: clinical testing. Allele origin: germline.

Women's Health and Genetics/Laboratory Corporation of America, LabCorp
Classification: Likely benign. Last evaluated: 2023-07-21. Review status: criteria provided, single submitter. Criteria: LabCorp Variant Classification Summary - May 2015. Collection method: clinical testing. Allele origin: germline.

Centre of Medical Genetics, University Hospital Muenster
Classification: Likely benign for Marfan syndrome. Last evaluated: 2022-05-11. Review status: criteria provided, single submitter. Criteria: ACMG Guidelines, 2015. Collection method: clinical testing. Allele origin: unknown. Affected: yes. Observed: 1 variant allele, 1 heterozygote.
Comment: ACMG categories: BS2,BP1,BP6

Genome-Nilou Lab
Classification: Benign for Ehlers-Danlos syndrome, classic type, 1. Last evaluated: 2022-03-15. Review status: criteria provided, single submitter. Criteria: ACMG Guidelines, 2015. Collection method: clinical testing. Allele origin: germline. Affected: no.

Genome-Nilou Lab
Classification: Benign for Fibromuscular dysplasia, multifocal. Last evaluated: 2022-03-15. Review status: criteria provided, single submitter. Criteria: ACMG Guidelines, 2015. Collection method: clinical testing. Allele origin: germline. Affected: no.

Genome Diagnostics Laboratory, The Hospital for Sick Children
Classification: Benign for Ehlers-Danlos syndrome. Last evaluated: 2021-03-19. Review status: criteria provided, single submitter. Criteria: ACMG Guidelines, 2015. Collection method: clinical testing. Allele origin: germline.

Ambry Genetics
Classification: Likely benign for Familial thoracic aortic aneurysm and aortic dissection. Last evaluated: 2018-12-14. Review status: criteria provided, single submitter. Criteria: Ambry Variant Classification Scheme 2023. Collection method: clinical testing. Allele origin: germline.

Eurofins Ntd Llc (ga)
Classification: Likely benign. Last evaluated: 2018-06-05. Review status: criteria provided, single submitter. Criteria: EGL ClinVar v180209 classification definitions. Collection method: clinical testing. Allele origin: germline. Observed: 2 variant alleles, 2 heterozygotes.

Illumina Laboratory Services, Illumina
Classification: Benign for Ehlers-Danlos syndrome, classic type, 1. Last evaluated: 2018-02-06. Review status: criteria provided, single submitter. Criteria: ICSL Variant Classification Criteria 13 December 2019. Collection method: clinical testing. Allele origin: germline.
Comment: This variant was observed as part of a predisposition screen in an ostensibly healthy population. A literature search was performed for the gene, cDNA change, and amino acid change (where applicable). No publications were found based on this search. Allele frequency data from public databases was too high to be consistent with this variant causing disease. Therefore, this variant is classified as benign.

GeneDx
Classification: Likely benign. Last evaluated: 2017-10-25. Review status: criteria provided, single submitter. Criteria: GeneDx Variant Classification (06012015). Collection method: clinical testing. Allele origin: germline. Affected: yes.
Comment: This variant is considered likely benign or benign based on one or more of the following criteria: it is a conservative change, it occurs at a poorly conserved position in the protein, it is predicted to be benign by multiple in silico algorithms, and/or has population frequency not consistent with disease.

PreventionGenetics, part of Exact Sciences
Classification: Likely benign. Review status: criteria provided, single submitter. Criteria: ACMG Guidelines, 2015. Collection method: clinical testing. Allele origin: germline.

Clinical Genetics DNA and cytogenetics Diagnostics Lab, Erasmus MC, Erasmus Medical Center
Classification: Likely benign. Review status: no assertion criteria provided. Collection method: clinical testing. Allele origin: germline. Affected: yes. Study: VKGL Data-share Consensus. Not counted in ClinVar's aggregate classification.

Genome Diagnostics Laboratory, Amsterdam University Medical Center
Classification: Likely benign. Review status: no assertion criteria provided. Collection method: clinical testing. Allele origin: germline. Affected: yes. Study: VKGL Data-share Consensus. Not counted in ClinVar's aggregate classification.

Genome Diagnostics Laboratory, University Medical Center Utrecht
Classification: Likely benign. Review status: no assertion criteria provided. Collection method: clinical testing. Allele origin: germline. Affected: yes. Study: VKGL Data-share Consensus. Not counted in ClinVar's aggregate classification.

NM_000093.5(COL5A1):c.278C>T (p.Ala93Val)

Gene: COL5A1 (collagen type V alpha 1 chain; plus strand). Cytogenetic location: 9q34.3.
Variant type: single nucleotide variant.
Coding change: c.278C>T on transcript NM_000093.5 (MANE Select); coding-DNA position 278, C replaced by T.
Protein change: p.Ala93Val; replaces alanine 93 with valine.
Molecular consequence: missense variant.
Genome position (GRCh38, 1-based): chr9:134,699,909, C>T. VCF-style: chr9-134699909-C-T. GRCh37 (hg19) VCF-style: chr9-137591755-C-T.
Other names: p.A93V:GCG>GTG; p.Ala93Val; c.278C>T, p.Ala93Val (NM_001278074.1); short protein forms A93V.
Identifiers: ClinVar variation 212916 (VCV000212916.70), dbSNP rs41306397, ClinGen allele CA322865.